The following is an entry in ClinVar:

NM_138713.4(NFAT5):c.2929C>T (p.Pro977Ser)

Gene: NFAT5 (nuclear factor of activated T cells 5; plus strand). Cytogenetic location: 16q22.1.
Variant type: single nucleotide variant.
Coding change: c.2929C>T on transcript NM_138713.4 (MANE Select); coding-DNA position 2929, C replaced by T.
Protein change: p.Pro977Ser; replaces proline 977 with serine.
Molecular consequence: missense variant.
Genome position (GRCh38, 1-based): chr16:69,692,754, C>T. VCF-style: chr16-69692754-C-T. GRCh37 (hg19) VCF-style: chr16-69726657-C-T.
Other names: c.2926C>T, p.Pro976Ser (NM_001113178.3); c.2254C>T, p.Pro752Ser (NM_001367709.1); c.2875C>T, p.Pro959Ser (NM_006599.4); c.2647C>T, p.Pro883Ser (NM_138714.4, NM_173214.3, NM_173215.3); short protein forms P959S, P883S, P977S, P976S, P752S.
Identifiers: ClinVar variation 1502909 (VCV001502909.6), dbSNP rs369476982, ClinGen allele CA8135823.

ClinVar aggregate classification (germline): Uncertain significance (1 of 4 stars; one submission).

Conditions:
Immunodeficiency. Identifiers: MedGen C0021051, MONDO:0021094, HP:0002721.

Allele frequency attached by ClinVar (database versions not stated): ExAC 0.00001; gnomAD 0.00001; gnomAD exomes 0.00001 and 0.00002; TOPMed 0.00002; ESP Exome Variant Server 0.00008.
gnomAD v4.1: 25 of 1,614,108 alleles (0.0015%); highest among the groups gnomAD compares: Admixed American, 0.0033%; no homozygotes.

Submission:

Labcorp Genetics (formerly Invitae), Labcorp
Classification: Uncertain significance for Immunodeficiency. Last evaluated: 2025-11-24. Review status: criteria provided, single submitter. Criteria: Invitae Variant Classification Sherloc (09022015). Collection method: clinical testing. Allele origin: germline.
Comment: This sequence change replaces proline, which is neutral and non-polar, with serine, which is neutral and polar, at codon 883 of the NFAT5 protein (p.Pro883Ser). This variant is present in population databases (rs369476982, gnomAD 0.003%). This variant has not been reported in the literature in individuals affected with NFAT5-related conditions. ClinVar contains an entry for this variant (Variation ID: 1502909). An algorithm developed to predict the effect of missense changes on protein structure and function outputs the following: PolyPhen-2: "Benign". The serine amino acid residue is found in multiple mammalian species, which suggests that this missense change does not adversely affect protein function. In summary, the available evidence is currently insufficient to determine the role of this variant in disease. Therefore, it has been classified as a Variant of Uncertain Significance.